The following is an entry in ClinVar:

NM_002016.2(FLG):c.7288C>T (p.Arg2430Trp)

Genes: CCDST (cervical cancer associated DHX9 suppressive transcript; plus strand), FLG (filaggrin; minus strand). Cytogenetic location: 1q21.3.
Variant type: single nucleotide variant.
Coding change: c.7288C>T on transcript NM_002016.2 (MANE Select); coding-DNA position 7288, C replaced by T.
Protein change: p.Arg2430Trp; replaces arginine 2430 with tryptophan.
Molecular consequence: missense variant.
Genome position (GRCh38, 1-based): chr1:152,307,598, G>A on the plus strand (C>T on the coding strand, the complement: FLG is on the minus strand). VCF-style: chr1-152307598-G-A. GRCh37 (hg19) VCF-style: chr1-152280074-G-A.
Other names: short protein forms R2430W.
Identifiers: ClinVar variation 2570733 (VCV002570733.28), dbSNP rs140376327, ClinGen allele CA1104812.

ClinVar aggregate classification (germline): Likely benign. Review status: criteria provided, multiple submitters, no conflicts (2 of 4 stars). 2 submissions from 2 submitters: Likely benign (2). Last evaluated 2024-11-25.

Allele frequency attached by ClinVar (database versions not stated): 1000 Genomes Project 30x 0.00016; 1000 Genomes Project 0.00020; ESP Exome Variant Server 0.00038; ExAC 0.00114.

Submissions (2):

Blueprint Genetics
Classification: Likely benign. Last evaluated: 2024-11-25. Review status: criteria provided, single submitter. Criteria: ACMG Guidelines, 2015. Collection method: clinical testing. Allele origin: germline.

CeGaT Center for Human Genetics Tuebingen
Classification: Likely benign. Last evaluated: 2023-05-01. Review status: criteria provided, single submitter. Criteria: CeGaT Center For Human Genetics Tuebingen Variant Classification Criteria Version 2. Collection method: clinical testing. Allele origin: germline. Affected: yes. Observed: 2 variant alleles.
Comment: FLG: BP4